The following is an entry in ClinVar:

NM_001267550.2(TTN):c.83927C>G (p.Ala27976Gly)

Genes: TTN (titin; minus strand), TTN-AS1 (TTN antisense RNA 1; plus strand). Cytogenetic location: 2q31.2.
Variant type: single nucleotide variant.
Coding change: c.83927C>G on transcript NM_001267550.2 (MANE Select); coding-DNA position 83927, C replaced by G.
Protein change: p.Ala27976Gly; replaces alanine 27976 with glycine.
Molecular consequence: missense variant.
Genome position (GRCh38, 1-based): chr2:178,562,205, G>C on the plus strand (C>G on the coding strand, the complement: TTN is on the minus strand). VCF-style: chr2-178562205-G-C. GRCh37 (hg19) VCF-style: chr2-179426932-G-C.
Other names: c.79004C>G, p.Ala26335Gly (NM_001256850.1); c.56732C>G, p.Ala18911Gly (NM_003319.4); c.76223C>G, p.Ala25408Gly (NM_133378.4); c.57107C>G, p.Ala19036Gly (NM_133432.3); c.57308C>G, p.Ala19103Gly (NM_133437.4); short protein forms A18911G, A19036G, A19103G, A25408G, A26335G, A27976G.
Identifiers: ClinVar variation 2633961 (VCV002633961.1), dbSNP rs2469717951, ClinGen allele CA349563554.

ClinVar aggregate classification (germline): Uncertain significance (1 of 4 stars; one submission).

Conditions:
TTN-related disorder. Also called: TTN-related condition; TTN-related disease; TTN-related disorders.

Allele frequency attached by ClinVar (database versions not stated): gnomAD exomes below 0.00001.
gnomAD v4.1: 4 of 1,612,680 alleles (0.00025%); highest among the groups gnomAD compares: Non-Finnish European, 0.00034%; no homozygotes.

Submission:

PreventionGenetics, part of Exact Sciences
Classification: Uncertain significance for TTN-related condition. Last evaluated: 2023-10-03. Review status: criteria provided, single submitter. Criteria: ACMG Guidelines, 2015. Collection method: clinical testing. Allele origin: germline.
Comment: The TTN c.83927C>G variant is predicted to result in the amino acid substitution p.Ala27976Gly. To our knowledge, this variant has not been reported in the literature or in a large population database, indicating this variant is rare. At this time, the clinical significance of this variant is uncertain due to the absence of conclusive functional and genetic evidence.